The following is an entry in ClinVar:

NM_001042681.2(RERE):c.890C>T (p.Pro297Leu)

Gene: RERE (arginine-glutamic acid dipeptide repeats; minus strand). Cytogenetic location: 1p36.23.
Variant type: single nucleotide variant.
Coding change: c.890C>T on transcript NM_001042681.2 (MANE Select); coding-DNA position 890, C replaced by T.
Protein change: p.Pro297Leu; replaces proline 297 with leucine.
Molecular consequence: missense variant.
Genome position (GRCh38, 1-based): chr1:8,497,519, G>A on the plus strand (C>T on the coding strand, the complement: RERE is on the minus strand). VCF-style: chr1-8497519-G-A. GRCh37 (hg19) VCF-style: chr1-8557579-G-A.
Other names: c.890C>T, p.Pro297Leu (NM_012102.4); short protein forms P297L.
Identifiers: ClinVar variation 1027760 (VCV001027760.1), dbSNP rs1645061321, ClinGen allele CA338224118.

ClinVar aggregate classification (germline): Uncertain significance (1 of 4 stars; one submission).

Conditions:
Neurodevelopmental disorder with or without anomalies of the brain, eye, or heart (NEDBEH). Identifiers: Orphanet 494344, MedGen C5567477, MONDO:0014857, OMIM 616975.

Submission:

Baylor Genetics
Classification: Uncertain significance for Neurodevelopmental disorder with or without anomalies of the brain, eye, or heart. Last evaluated: 2020-01-24. Review status: criteria provided, single submitter. Criteria: ACMG Guidelines, 2015. Collection method: clinical testing. Allele origin: unknown. Affected: yes.
Comment: This variant was determined to be of uncertain significance according to ACMG Guidelines, 2015 [PMID:25741868].